The following is an entry in ClinVar:

NM_003839.4(TNFRSF11A):c.1798G>A (p.Glu600Lys)

Gene: TNFRSF11A (TNF receptor superfamily member 11a; plus strand). Cytogenetic location: 18q21.33.
Variant type: single nucleotide variant.
Coding change: c.1798G>A on transcript NM_003839.4 (MANE Select); coding-DNA position 1798, G replaced by A.
Protein change: p.Glu600Lys; replaces glutamic acid 600 with lysine.
Molecular consequence: missense variant. On other transcripts: 3 prime UTR variant (1).
Genome position (GRCh38, 1-based): chr18:62,384,981, G>A. VCF-style: chr18-62384981-G-A. GRCh37 (hg19) VCF-style: chr18-60052214-G-A.
Other names: c.*222G>A (NM_001270949.2); c.961G>A, p.Glu321Lys (NM_001270950.2); c.847G>A, p.Glu283Lys (NM_001270951.2); c.1756G>A, p.Glu586Lys (NM_001278268.2); short protein forms E586K, E283K, E321K, E600K.
Identifiers: ClinVar variation 4745457 (VCV004745457.1).

ClinVar aggregate classification (germline): Uncertain significance (1 of 4 stars; one submission).

gnomAD v4.1: 2 of 1,472,536 alleles (0.00014%); highest among the groups gnomAD compares: Middle Eastern, 0.021%; no homozygotes.

Submission:

Labcorp Genetics (formerly Invitae), Labcorp
Classification: Uncertain significance. Last evaluated: 2025-10-08. Review status: criteria provided, single submitter. Criteria: Invitae Variant Classification Sherloc (09022015). Collection method: clinical testing. Allele origin: germline.
Comment: This sequence change replaces glutamic acid, which is acidic and polar, with lysine, which is basic and polar, at codon 600 of the TNFRSF11A protein (p.Glu600Lys). This variant is not present in population databases (gnomAD no frequency). This variant has not been reported in the literature in individuals affected with TNFRSF11A-related conditions. An algorithm developed to predict the effect of missense changes on protein structure and function (PolyPhen-2) suggests that this variant is likely to be tolerated. In summary, the available evidence is currently insufficient to determine the role of this variant in disease. Therefore, it has been classified as a Variant of Uncertain Significance.